The following is an entry in ClinVar:

ClinVar aggregate classification (germline): Conflicting classifications of pathogenicity. Review status: criteria provided, conflicting classifications (1 of 4 stars). 2 submissions from 2 submitters: Uncertain significance (1); Likely benign (1). Last evaluated 2025-04-02.

Conditions:
Hereditary cancer-predisposing syndrome. Also called: Tumor predisposition; Hereditary Cancer Syndrome; Hereditary neoplastic syndrome; Neoplastic Syndromes, Hereditary. Identifiers: Orphanet 140162, MedGen C0027672, MeSH D009386, MONDO:0015356.
Hereditary breast ovarian cancer syndrome. Also called: BRCA1- and BRCA2-Associated Hereditary Breast and Ovarian Cancer; Hereditary breast and ovarian cancer; Hereditary breast and ovarian cancer syndrome (HBOC); Hereditary breast and/or ovarian cancer syndrome; Hereditary breast and ovarian cancer syndrome; Breast and ovarian cancer. Identifiers: Orphanet 145, MedGen C0677776, MeSH D061325, MONDO:0003582. Disease mechanism: loss of function.

Submissions (2):

Labcorp Genetics (formerly Invitae), Labcorp
Classification: Uncertain significance for Hereditary breast ovarian cancer syndrome. Last evaluated: 2025-04-02. Review status: criteria provided, single submitter. Criteria: Invitae Variant Classification Sherloc (09022015). Collection method: clinical testing. Allele origin: germline.
Comment: This sequence change replaces serine, which is neutral and polar, with arginine, which is basic and polar, at codon 643 of the BRCA1 protein (p.Ser643Arg). This variant is not present in population databases (gnomAD no frequency). This variant has not been reported in the literature in individuals affected with BRCA1-related conditions. ClinVar contains an entry for this variant (Variation ID: 1988462). Invitae Evidence Modeling of protein sequence and biophysical properties (such as structural, functional, and spatial information, amino acid conservation, physicochemical variation, residue mobility, and thermodynamic stability) indicates that this missense variant is expected to disrupt BRCA1 protein function with a positive predictive value of 80%. In summary, the available evidence is currently insufficient to determine the role of this variant in disease. Therefore, it has been classified as a Variant of Uncertain Significance.

University of Washington Department of Laboratory Medicine, University of Washington
Classification: Likely benign for Hereditary cancer-predisposing syndrome. Last evaluated: 2023-03-23. Review status: criteria provided, single submitter. Criteria: Dines et al. (Genet Med. 2020). Collection method: curation. Allele origin: germline.
Comment: Missense variant in a coldspot region where missense variants are very unlikely to be pathogenic (PMID:31911673).

BRCA1 coldspot (exon 11 using historical exon numbering). Reclassification based on statistical prior probability

NM_007294.4(BRCA1):c.1929T>A (p.Ser643Arg)

Gene: BRCA1 (BRCA1 DNA repair associated; minus strand). Cytogenetic location: 17q21.31.
Variant type: single nucleotide variant.
Coding change: c.1929T>A on transcript NM_007294.4 (MANE Select); coding-DNA position 1929, T replaced by A.
Protein change: p.Ser643Arg; replaces serine 643 with arginine.
Molecular consequence: missense variant. On other transcripts: intron variant (137).
Genome position (GRCh38, 1-based): chr17:43,093,602, A>T on the plus strand (T>A on the coding strand, the complement: BRCA1 is on the minus strand). VCF-style: chr17-43093602-A-T. GRCh37 (hg19) VCF-style: chr17-41245619-A-T.
Other names: c.1806T>A, p.Ser602Arg (NM_001407665.1, NM_001407666.1, NM_001407667.1 and 19 more transcripts); c.1803T>A, p.Ser601Arg (NM_001407670.1, NM_001407671.1, NM_001407672.1 and 11 more transcripts); c.1929T>A, p.Ser643Arg (NM_001407684.1, NM_001407581.1, NM_001407582.1 and 30 more transcripts); c.1788T>A, p.Ser596Arg (NM_001407692.1, NM_001407733.1, NM_001407734.1 and 29 more transcripts); c.1785T>A, p.Ser595Arg (NM_001407740.1, NM_001407741.1, NM_001407742.1 and 20 more transcripts); c.1716T>A, p.Ser572Arg (NM_001407571.1, NM_001407853.1, NM_001407894.1 and 9 more transcripts); c.1926T>A, p.Ser642Arg (NM_001407587.1, NM_001407590.1, NM_001407591.1 and 22 more transcripts); c.1920T>A, p.Ser640Arg (NM_001407646.1, NM_001407647.1); and 40 more; short protein forms S515R, S516R, S531R, S532R, S576R, S617R, S347R, S475R.
Identifiers: ClinVar variation 1988462 (VCV001988462.6), dbSNP rs1060502361, ClinGen allele CA10598168.